The following is an entry in ClinVar:

ClinVar aggregate classification (germline): Uncertain significance. Review status: criteria provided, multiple submitters, no conflicts (2 of 4 stars). 2 submissions from 2 submitters: Uncertain significance (2). Last evaluated 2026-07-17.

Conditions:
Renal cell carcinoma. Identifiers: Orphanet 217071, MedGen C0007134, MeSH D002292, MONDO:0005086, HP:0005584.
Hereditary cancer-predisposing syndrome. Also called: Hereditary Cancer Syndrome; Tumor predisposition; Neoplastic Syndromes, Hereditary; Hereditary neoplastic syndrome. Identifiers: Orphanet 140162, MedGen C0027672, MeSH D009386, MONDO:0015356.

Allele frequency attached by ClinVar (database versions not stated): TOPMed below 0.00001; gnomAD 0.00001.
gnomAD v4.1: 1 of 1,614,108 alleles (0.000062%); highest among the groups gnomAD compares: African/African-American, 0.0013%; no homozygotes.

Submissions (2):

Ambry Genetics
Classification: Uncertain significance for Hereditary cancer-predisposing syndrome. Last evaluated: 2026-07-17. Review status: criteria provided, single submitter. Criteria: Ambry Variant Classification Scheme 2023. Collection method: clinical testing. Allele origin: germline.
Comment: The p.I1071F variant (also known as c.3211A>T), located in coding exon 14 of the MET gene, results from an A to T substitution at nucleotide position 3211. The isoleucine at codon 1071 is replaced by phenylalanine, an amino acid with highly similar properties. This amino acid position is conserved. In addition, the in silico prediction for this alteration is inconclusive. Based on the available evidence, the clinical significance of this variant remains unclear.

Labcorp Genetics (formerly Invitae), Labcorp
Classification: Uncertain significance for Renal cell carcinoma. Last evaluated: 2024-03-13. Review status: criteria provided, single submitter. Criteria: Invitae Variant Classification Sherloc (09022015). Collection method: clinical testing. Allele origin: germline.
Comment: This sequence change replaces isoleucine, which is neutral and non-polar, with phenylalanine, which is neutral and non-polar, at codon 1071 of the MET protein (p.Ile1071Phe). This variant is not present in population databases (gnomAD no frequency). This variant has not been reported in the literature in individuals affected with MET-related conditions. ClinVar contains an entry for this variant (Variation ID: 1525592). Advanced modeling of protein sequence and biophysical properties (such as structural, functional, and spatial information, amino acid conservation, physicochemical variation, residue mobility, and thermodynamic stability) performed at Invitae indicates that this missense variant is not expected to disrupt MET protein function with a negative predictive value of 80%. In summary, the available evidence is currently insufficient to determine the role of this variant in disease. Therefore, it has been classified as a Variant of Uncertain Significance.

NM_000245.4(MET):c.3157A>T (p.Ile1053Phe)

Gene: MET (MET proto-oncogene, receptor tyrosine kinase; plus strand). Cytogenetic location: 7q31.2.
Variant type: single nucleotide variant.
Coding change: c.3157A>T on transcript NM_000245.4 (MANE Select); coding-DNA position 3157, A replaced by T.
Protein change: p.Ile1053Phe; replaces isoleucine 1053 with phenylalanine.
Molecular consequence: missense variant.
Genome position (GRCh38, 1-based): chr7:116,775,009, A>T. VCF-style: chr7-116775009-A-T. GRCh37 (hg19) VCF-style: chr7-116415063-A-T.
Other names: c.3211A>T, p.Ile1071Phe (NM_001127500.3); c.1867A>T, p.Ile623Phe (NM_001324402.2); c.3211A>T (NM_001127500.1); short protein forms I623F, I1071F, I1053F.
Identifiers: ClinVar variation 1525592 (VCV001525592.9), dbSNP rs1278254320, ClinGen allele CA368988395.